The following is an entry in ClinVar:

NM_020921.4(NIN):c.611G>A (p.Arg204Gln)

Gene: NIN (ninein; minus strand). Cytogenetic location: 14q22.1.
Variant type: single nucleotide variant.
Coding change: c.611G>A on transcript NM_020921.4 (MANE Select); coding-DNA position 611, G replaced by A.
Protein change: p.Arg204Gln; replaces arginine 204 with glutamine.
Molecular consequence: missense variant.
Genome position (GRCh38, 1-based): chr14:50,777,004, C>T on the plus strand (G>A on the coding strand, the complement: NIN is on the minus strand). VCF-style: chr14-50777004-C-T. GRCh37 (hg19) VCF-style: chr14-51243722-C-T.
Other names: c.611G>A, p.Arg204Gln (NM_016350.5, NM_182944.3, NM_182946.2); short protein forms R204Q.
Identifiers: ClinVar variation 2728536 (VCV002728536.3), dbSNP rs145428317, ClinGen allele CA7182403.
Genomic context (GRCh38, chr14:50,777,004, plus strand): 5'-CTTACCTCTCCATCCACATTCTGTAAACCATACTGCTCACAGATGGAGACCAGCTTCTTC[C>T]GGTTCAGGTGACCATCACGGGTGATCCCCAAATCTTCACAAACTTCTTGCAGTTTCTCTT-3'
Protein context (NP_065972.4, residues 194-214): LGITRDGHLN[Arg204Gln]KKLVSICEQY

ClinVar aggregate classification (germline): Uncertain significance (1 of 4 stars; one submission).

Allele frequency attached by ClinVar (database versions not stated): gnomAD 0.00001; gnomAD exomes 0.00001; TOPMed 0.00002; ExAC 0.00003; ESP Exome Variant Server 0.00008.
gnomAD v4.1: 20 of 1,614,070 alleles (0.0012%); highest among the groups gnomAD compares: Middle Eastern, 0.016%; no homozygotes.

Submission:

Labcorp Genetics (formerly Invitae), Labcorp
Classification: Uncertain significance. Last evaluated: 2023-03-14. Review status: criteria provided, single submitter. Criteria: Invitae Variant Classification Sherloc (09022015). Collection method: clinical testing. Allele origin: germline.
Comment: In summary, the available evidence is currently insufficient to determine the role of this variant in disease. Therefore, it has been classified as a Variant of Uncertain Significance. An algorithm developed to predict the effect of missense changes on protein structure and function (PolyPhen-2) suggests that this variant is likely to be disruptive. This variant has not been reported in the literature in individuals affected with NIN-related conditions. This variant is present in population databases (rs145428317, gnomAD 0.006%). This sequence change replaces arginine, which is basic and polar, with glutamine, which is neutral and polar, at codon 204 of the NIN protein (p.Arg204Gln).